The following is an entry in ClinVar:

ClinVar aggregate classification (germline): Uncertain significance (1 of 4 stars; one submission).

Allele frequency attached by ClinVar (database versions not stated): gnomAD exomes 0.00001 and 0.00003; gnomAD 0.00002; TOPMed 0.00003; ExAC 0.00004.
gnomAD v4.1: 24 of 1,608,052 alleles (0.0015%); highest among the groups gnomAD compares: African/African-American, 0.0053%; no homozygotes.

Submission:

Labcorp Genetics (formerly Invitae), Labcorp
Classification: Uncertain significance. Last evaluated: 2021-09-17. Review status: criteria provided, single submitter. Criteria: Invitae Variant Classification Sherloc (09022015). Collection method: clinical testing. Allele origin: germline.
Comment: This sequence change replaces valine with isoleucine at codon 469 of the DGAT1 protein (p.Val469Ile). The valine residue is moderately conserved and there is a small physicochemical difference between valine and isoleucine. This variant is present in population databases (rs782689595, ExAC 0.03%). This variant has not been reported in the literature in individuals affected with DGAT1-related conditions. Algorithms developed to predict the effect of missense changes on protein structure and function (SIFT, PolyPhen-2, Align-GVGD) all suggest that this variant is likely to be tolerated. In summary, the available evidence is currently insufficient to determine the role of this variant in disease. Therefore, it has been classified as a Variant of Uncertain Significance.

NM_012079.6(DGAT1):c.1405G>A (p.Val469Ile)

Gene: DGAT1 (diacylglycerol O-acyltransferase 1; minus strand). Cytogenetic location: 8q24.3.
Variant type: single nucleotide variant.
Coding change: c.1405G>A on transcript NM_012079.6 (MANE Select); coding-DNA position 1405, G replaced by A.
Protein change: p.Val469Ile; replaces valine 469 with isoleucine.
Molecular consequence: missense variant.
Genome position (GRCh38, 1-based): chr8:144,316,616, C>T on the plus strand (G>A on the coding strand, the complement: DGAT1 is on the minus strand). VCF-style: chr8-144316616-C-T. GRCh37 (hg19) VCF-style: chr8-145540279-C-T.
Other names: short protein forms V469I.
Identifiers: ClinVar variation 1523159 (VCV001523159.5), dbSNP rs782689595, ClinGen allele CA4936516.